The following is an entry in ClinVar:

ClinVar aggregate classification (germline): Uncertain significance. Review status: criteria provided, multiple submitters, no conflicts (2 of 4 stars). 2 submissions from 2 submitters: Uncertain significance (2). Last evaluated 2025-01-10.

Conditions:
Brachyolmia-amelogenesis imperfecta syndrome. Also called: Tooth agenesis, selective, 6; Dental anomalies and short stature; PLATYSPONDYLY WITH AMELOGENESIS IMPERFECTA. Identifiers: Orphanet 2899, MedGen C1832594, MONDO:0011018, OMIM 601216. Disease mechanism: loss of function.
Inborn genetic diseases. Identifiers: MedGen C0950123, MeSH D030342.

Allele frequency attached by ClinVar (database versions not stated): gnomAD 0.00001; gnomAD exomes 0.00001; TOPMed 0.00001; ExAC 0.00002.
gnomAD v4.1: 22 of 1,610,772 alleles (0.0014%); highest among the groups gnomAD compares: Non-Finnish European, 0.0018%; no homozygotes.

Submissions (2):

Ambry Genetics
Classification: Uncertain significance for Inborn genetic diseases. Last evaluated: 2025-01-10. Review status: criteria provided, single submitter. Criteria: Ambry Variant Classification Scheme 2023. Collection method: clinical testing. Allele origin: germline.
Comment: The p.A147T variant (also known as c.439G>A), located in coding exon 2 of the LTBP3 gene, results from a G to A substitution at nucleotide position 439. The alanine at codon 147 is replaced by threonine, an amino acid with similar properties. This amino acid position is conserved. In addition, this alteration is predicted to be tolerated by in silico analysis. Based on the available evidence, the clinical significance of this variant remains unclear.

Labcorp Genetics (formerly Invitae), Labcorp
Classification: Uncertain significance for Brachyolmia-amelogenesis imperfecta syndrome. Last evaluated: 2024-12-23. Review status: criteria provided, single submitter. Criteria: Invitae Variant Classification Sherloc (09022015). Collection method: clinical testing. Allele origin: germline.
Comment: This sequence change replaces alanine, which is neutral and non-polar, with threonine, which is neutral and polar, at codon 147 of the LTBP3 protein (p.Ala147Thr). This variant is present in population databases (rs771952262, gnomAD 0.002%). This variant has not been reported in the literature in individuals affected with LTBP3-related conditions. ClinVar contains an entry for this variant (Variation ID: 1439974). An algorithm developed to predict the effect of missense changes on protein structure and function outputs the following: PolyPhen-2: "Benign". The threonine amino acid residue is found in multiple mammalian species, which suggests that this missense change does not adversely affect protein function. In summary, the available evidence is currently insufficient to determine the role of this variant in disease. Therefore, it has been classified as a Variant of Uncertain Significance.

NM_001130144.3(LTBP3):c.439G>A (p.Ala147Thr)

Gene: LTBP3 (latent transforming growth factor beta binding protein 3; minus strand). Cytogenetic location: 11q13.1.
Variant type: single nucleotide variant.
Coding change: c.439G>A on transcript NM_001130144.3 (MANE Select); coding-DNA position 439, G replaced by A.
Protein change: p.Ala147Thr; replaces alanine 147 with threonine.
Molecular consequence: missense variant.
Genome position (GRCh38, 1-based): chr11:65,554,273, C>T on the plus strand (G>A on the coding strand, the complement: LTBP3 is on the minus strand). VCF-style: chr11-65554273-C-T. GRCh37 (hg19) VCF-style: chr11-65321744-C-T.
Other names: c.88G>A, p.Ala30Thr (NM_001164266.1); c.439G>A, p.Ala147Thr (NM_021070.4); c.439G>A (NM_001130144.2); short protein forms A30T, A147T.
Identifiers: ClinVar variation 1439974 (VCV001439974.7), dbSNP rs771952262, ClinGen allele CA6101239.